The following is an entry in ClinVar:

NM_002180.3(IGHMBP2):c.745G>A (p.Asp249Asn)

Gene: IGHMBP2 (immunoglobulin mu DNA binding protein 2; plus strand). Cytogenetic location: 11q13.3.
Variant type: single nucleotide variant.
Coding change: c.745G>A on transcript NM_002180.3 (MANE Select); coding-DNA position 745, G replaced by A.
Protein change: p.Asp249Asn; replaces aspartic acid 249 with asparagine.
Molecular consequence: missense variant.
Genome position (GRCh38, 1-based): chr11:68,914,856, G>A. VCF-style: chr11-68914856-G-A. GRCh37 (hg19) VCF-style: chr11-68682324-G-A.
Other names: short protein forms D249N.
Identifiers: ClinVar variation 1911971 (VCV001911971.5), dbSNP rs576861137, ClinGen allele CA381644281.

ClinVar aggregate classification (germline): Uncertain significance (1 of 4 stars; one submission).

Conditions:
Autosomal recessive distal spinal muscular atrophy 1. Also called: SEVERE INFANTILE AXONAL NEUROPATHY WITH RESPIRATORY FAILURE; SPINAL MUSCULAR ATROPHY, DIAPHRAGMATIC; Spinal muscular atrophy with respiratory distress 1; HMN VI; NEURONOPATHY, SEVERE INFANTILE AXONAL, WITH RESPIRATORY FAILURE; NEURONOPATHY, DISTAL HEREDITARY MOTOR, HARDING TYPE VI. Identifiers: Orphanet 98920, MedGen C1858517, MONDO:0011436, OMIM 604320.
Charcot-Marie-Tooth disease axonal type 2S. Also called: CHARCOT-MARIE-TOOTH NEUROPATHY, TYPE 2S; CHARCOT-MARIE-TOOTH DISEASE, AXONAL, AUTOSOMAL RECESSIVE, TYPE 2S. Identifiers: Orphanet 443073, MedGen C4015349, MONDO:0014511, OMIM 616155.

Allele frequency attached by ClinVar (database versions not stated): gnomAD exomes below 0.00001.
gnomAD v4.1: 1 of 1,614,240 alleles (0.000062%); highest among the groups gnomAD compares: Non-Finnish European, 0.000085%; no homozygotes.

Submission:

Labcorp Genetics (formerly Invitae), Labcorp
Classification: Uncertain significance for Autosomal recessive distal spinal muscular atrophy 1; Charcot-Marie-Tooth disease axonal type 2S. Last evaluated: 2022-04-20. Review status: criteria provided, single submitter. Criteria: Invitae Variant Classification Sherloc (09022015). Collection method: clinical testing. Allele origin: germline.
Comment: In summary, the available evidence is currently insufficient to determine the role of this variant in disease. Therefore, it has been classified as a Variant of Uncertain Significance. Advanced modeling of protein sequence and biophysical properties (such as structural, functional, and spatial information, amino acid conservation, physicochemical variation, residue mobility, and thermodynamic stability) performed at Invitae indicates that this missense variant is expected to disrupt IGHMBP2 protein function. This variant has not been reported in the literature in individuals affected with IGHMBP2-related conditions. This variant is not present in population databases (gnomAD no frequency). This sequence change replaces aspartic acid, which is acidic and polar, with asparagine, which is neutral and polar, at codon 249 of the IGHMBP2 protein (p.Asp249Asn).